The following is an entry in ClinVar:

NM_182914.3(SYNE2):c.9812G>A (p.Ser3271Asn)

Gene: SYNE2 (spectrin repeat containing nuclear envelope protein 2; plus strand). Cytogenetic location: 14q23.2.
Variant type: single nucleotide variant.
Coding change: c.9812G>A on transcript NM_182914.3 (MANE Select); coding-DNA position 9812, G replaced by A.
Protein change: p.Ser3271Asn; replaces serine 3271 with asparagine.
Molecular consequence: missense variant.
Genome position (GRCh38, 1-based): chr14:64,056,011, G>A. VCF-style: chr14-64056011-G-A. GRCh37 (hg19) VCF-style: chr14-64522729-G-A.
Other names: c.9812G>A, p.Ser3271Asn (NM_015180.6); short protein forms S3271N.
Identifiers: ClinVar variation 538342 (VCV000538342.9), dbSNP rs756481940, ClinGen allele CA7221360.

ClinVar aggregate classification (germline): Uncertain significance. Review status: criteria provided, multiple submitters, no conflicts (2 of 4 stars). 2 submissions from 2 submitters: Uncertain significance (2). Last evaluated 2025-06-02.

Conditions:
Emery-Dreifuss muscular dystrophy 5, autosomal dominant (EDMD5). Also called: EMERY-DREIFUSS MUSCULAR DYSTROPHY 5. Identifiers: Orphanet 261, MedGen C2751805, MONDO:0013072, OMIM 612999.

Allele frequency attached by ClinVar (database versions not stated): gnomAD exomes below 0.00001; TOPMed below 0.00001; ExAC 0.00001.
gnomAD v4.1: 4 of 1,614,028 alleles (0.00025%); highest among the groups gnomAD compares: South Asian, 0.0011%; no homozygotes.

Submissions (2):

Ambry Genetics
Classification: Uncertain significance. Last evaluated: 2025-06-02. Review status: criteria provided, single submitter. Criteria: Ambry Variant Classification Scheme 2023. Collection method: clinical testing. Allele origin: germline.

Labcorp Genetics (formerly Invitae), Labcorp
Classification: Uncertain significance for Emery-Dreifuss muscular dystrophy 5, autosomal dominant. Last evaluated: 2017-09-18. Review status: criteria provided, single submitter. Criteria: Invitae Variant Classification Sherloc (09022015). Collection method: clinical testing. Allele origin: germline.
Comment: This sequence change replaces serine with asparagine at codon 3271 of the SYNE2 protein (p.Ser3271Asn). The serine residue is weakly conserved and there is a small physicochemical difference between serine and asparagine. In summary, the available evidence is currently insufficient to determine the role of this variant in disease. Therefore, it has been classified as a Variant of Uncertain Significance. Algorithms developed to predict the effect of missense changes on protein structure and function do not agree on the potential impact of this missense change (SIFT: "Deleterious"; PolyPhen-2: "Benign"; Align-GVGD: "Class C0"). This variant has not been reported in the literature in individuals with SYNE2-related disease. This variant is present in population databases (rs756481940, ExAC 0.001%).